The following is an entry in ClinVar:

NM_000465.4(BARD1):c.1196T>G (p.Leu399Ter)

Gene: BARD1 (BRCA1 associated RING domain 1; minus strand). Cytogenetic location: 2q35.
Variant type: single nucleotide variant.
Coding change: c.1196T>G on transcript NM_000465.4 (MANE Select); coding-DNA position 1196, T replaced by G.
Protein change: p.Leu399Ter; replaces leucine 399 with a stop codon.
Molecular consequence: nonsense. On other transcripts: non-coding transcript variant (2), intron variant (3).
Genome position (GRCh38, 1-based): chr2:214,780,678, A>C on the plus strand (T>G on the coding strand, the complement: BARD1 is on the minus strand). VCF-style: chr2-214780678-A-C. GRCh37 (hg19) VCF-style: chr2-215645402-A-C.
Other names: c.1139T>G, p.Leu380Ter (NM_001282543.2); c.159-28123T>G (NM_001282548.2); c.215+16383T>G (NM_001282545.2); c.364+11619T>G (NM_001282549.2); c.1196T>G (NM_000465.2); short protein forms L399*, L380*.
Identifiers: ClinVar variation 641056 (VCV000641056.19), dbSNP rs1172609046, ClinGen allele CA350453780.

ClinVar aggregate classification (germline): Pathogenic/Likely pathogenic. Review status: criteria provided, multiple submitters, no conflicts (2 of 4 stars). 5 submissions from 5 submitters: Pathogenic (4); Likely pathogenic (1). Last evaluated 2023-05-22.

Conditions:
Hereditary cancer-predisposing syndrome. Also called: Neoplastic Syndromes, Hereditary; Tumor predisposition; Hereditary Cancer Syndrome; Hereditary neoplastic syndrome. Identifiers: Orphanet 140162, MedGen C0027672, MeSH D009386, MONDO:0015356.
Familial cancer of breast. Also called: BREAST CANCER, FAMILIAL; hereditary breast carcinoma; Hereditary breast cancer. Identifiers: Orphanet 227535, MedGen C0346153, MONDO:0016419, OMIM 114480. Disease mechanism: loss of function.

Allele frequency attached by ClinVar (database versions not stated): gnomAD exomes below 0.00001.

Submissions (5):

Myriad Genetics, Inc.
Classification: Pathogenic for Familial cancer of breast. Last evaluated: 2023-05-22. Review status: criteria provided, single submitter. Criteria: Myriad Autosomal Dominant, Autosomal Recessive and X-Linked Classification Criteria (2023). Collection method: clinical testing. Allele origin: unknown.
Comment: This variant is considered pathogenic. This variant creates a termination codon and is predicted to result in premature protein truncation.

Labcorp Genetics (formerly Invitae), Labcorp
Classification: Pathogenic for Familial cancer of breast. Last evaluated: 2022-10-17. Review status: criteria provided, single submitter. Criteria: Invitae Variant Classification Sherloc (09022015). Collection method: clinical testing. Allele origin: germline.
Comment: This sequence change creates a premature translational stop signal (p.Leu399*) in the BARD1 gene. It is expected to result in an absent or disrupted protein product. Loss-of-function variants in BARD1 are known to be pathogenic (PMID: 20077502, 21344236). This variant is present in population databases (no rsID available, gnomAD 0.003%). This variant has not been reported in the literature in individuals affected with BARD1-related conditions. ClinVar contains an entry for this variant (Variation ID: 641056). For these reasons, this variant has been classified as Pathogenic.

Ambry Genetics
Classification: Pathogenic for Hereditary cancer-predisposing syndrome. Last evaluated: 2022-08-19. Review status: criteria provided, single submitter. Criteria: Ambry Variant Classification Scheme 2023. Collection method: clinical testing. Allele origin: germline.
Comment: The p.L399* pathogenic mutation (also known as c.1196T>G), located in coding exon 4 of the BARD1 gene, results from a T to G substitution at nucleotide position 1196. This changes the amino acid from a leucine to a stop codon within coding exon 4. This alteration is expected to result in loss of function by premature protein truncation or nonsense-mediated mRNA decay. As such, this alteration is interpreted as a disease-causing mutation.

Color Diagnostics, LLC DBA Color Health
Classification: Pathogenic for Hereditary cancer-predisposing syndrome. Last evaluated: 2020-01-15. Review status: criteria provided, single submitter. Criteria: ACMG Guidelines, 2015. Collection method: clinical testing. Allele origin: germline.
Comment: This variant changes 1 nucleotide in exon 4 of the BARD1 gene, creating a premature translation stop signal. This variant is expected to result in an absent or non-functional protein product. This variant has been identified in 1/251046 chromosomes in the general population by the Genome Aggregation Database (gnomAD). Loss of BARD1 function is a known mechanism of disease. Based on the available evidence, this variant is classified as Pathogenic.

Quest Diagnostics Nichols Institute San Juan Capistrano
Classification: Likely pathogenic. Last evaluated: 2018-12-27. Review status: criteria provided, single submitter. Criteria: Quest Diagnostics criteria. Collection method: clinical testing. Allele origin: germline.
Comment: The variant creates a premature nonsense codon, and is therefore predicted to result in the loss of a functional protein. The best available variant frequency is uninformative.

Literature cited by the submitters: PubMed 20077502 (cited by Labcorp Genetics (formerly Invitae), Labcorp); PubMed 21344236 (cited by Labcorp Genetics (formerly Invitae), Labcorp); PubMed 29922827 (cited by Quest Diagnostics Nichols Institute San Juan Capistrano).